The following is an entry in ClinVar:

ClinVar aggregate classification (germline): Conflicting classifications of pathogenicity. Review status: criteria provided, conflicting classifications (1 of 4 stars). 2 submissions from 2 submitters: Uncertain significance (1); Likely benign (1). Last evaluated 2026-01-02.

Conditions:
Familial cancer of breast. Also called: Hereditary breast cancer; BREAST CANCER, FAMILIAL; hereditary breast carcinoma. Identifiers: Orphanet 227535, MedGen C0346153, MONDO:0016419, OMIM 114480. Disease mechanism: loss of function.
Hereditary cancer-predisposing syndrome. Also called: Neoplastic Syndromes, Hereditary; Hereditary Cancer Syndrome; Tumor predisposition; Hereditary neoplastic syndrome. Identifiers: Orphanet 140162, MedGen C0027672, MeSH D009386, MONDO:0015356.

Submissions (2):

Labcorp Genetics (formerly Invitae), Labcorp
Classification: Likely benign for Familial cancer of breast. Last evaluated: 2026-01-02. Review status: criteria provided, single submitter. Criteria: Invitae Variant Classification Sherloc (09022015). Collection method: clinical testing. Allele origin: germline.

Color Diagnostics, LLC DBA Color Health
Classification: Uncertain significance for Hereditary cancer-predisposing syndrome. Last evaluated: 2019-10-09. Review status: criteria provided, single submitter. Criteria: ACMG Guidelines, 2015. Collection method: clinical testing. Allele origin: germline.
Comment: This variant deletes two nucleotides in intron 5 of the PALB2 gene. To our knowledge, functional studies have not been performed for this variant. This variant has not been reported in individuals affected with hereditary cancer in the literature. This variant has not been identified in the general population by the Genome Aggregation Database (gnomAD). The available evidence is insufficient to determine the role of this variant in disease conclusively. Therefore, this variant is classified as a Variant of Uncertain Significance.

NM_024675.4(PALB2):c.2515-12_2515-11del

Gene: PALB2 (partner and localizer of BRCA2; minus strand). Cytogenetic location: 16p12.2.
Variant type: Deletion.
Coding change: c.2515-12_2515-11del on transcript NM_024675.4 (MANE Select); 12 bases into the intron before coding-DNA position 2515 through 11 bases into the intron before coding-DNA position 2515, 2 bases deleted (TT; older notation c.2515-12_2515-11delTT).
Molecular consequence: intron variant.
Genome position (GRCh38, 1-based): chr16:23,629,286-23,629,287, AA deleted on the plus strand (TT on the coding strand, the reverse complement: PALB2 is on the minus strand); deleting any 2 consecutive bases within chr16:23,629,286-23,629,289 gives the same sequence; the c. name uses the placement nearest the transcript's 3' end. VCF-style (leftmost placement, unchanged base first): chr16-23629285-CAA-C. GRCh37 (hg19) VCF-style: chr16-23640606-CAA-C.
Identifiers: ClinVar variation 927917 (VCV000927917.12), dbSNP rs1966854164, ClinGen allele CA1139664587.